The following is an entry in ClinVar:

NM_001127178.3(PIGG):c.2215G>A (p.Gly739Arg)

Gene: PIGG (phosphatidylinositol glycan anchor biosynthesis class G (EMM blood group); plus strand). Cytogenetic location: 4p16.3.
Variant type: single nucleotide variant.
Coding change: c.2215G>A on transcript NM_001127178.3 (MANE Select); coding-DNA position 2215, G replaced by A.
Protein change: p.Gly739Arg; replaces glycine 739 with arginine.
Molecular consequence: missense variant. On other transcripts: non-coding transcript variant (10).
Genome position (GRCh38, 1-based): chr4:527,184, G>A. VCF-style: chr4-527184-G-A. GRCh37 (hg19) VCF-style: chr4-520973-G-A.
Other names: c.1948G>A, p.Gly650Arg (NM_001289051.2, NM_001345986.2); c.1816G>A, p.Gly606Arg (NM_001289052.2); c.1924G>A, p.Gly642Arg (NM_001345987.2); c.1186G>A, p.Gly396Arg (NM_001345988.2); c.682G>A, p.Gly228Arg (NM_001345990.2, NM_001345991.2); c.1117G>A, p.Gly373Arg (NM_001345994.2); c.2191G>A, p.Gly731Arg (NM_017733.5); short protein forms G739R, G650R, G731R, G228R, G373R, G606R, G642R, G396R.
Identifiers: ClinVar variation 542900 (VCV000542900.15), dbSNP rs201269761, ClinGen allele CA2793571.

ClinVar aggregate classification (germline): Conflicting classifications of pathogenicity. Review status: criteria provided, conflicting classifications (1 of 4 stars). 3 submissions from 3 submitters: Uncertain significance (1); Likely benign (2). Last evaluated 2026-05-04.

Conditions:
PIGG-related disorder. Also called: PIGG-related condition.
Intellectual disability, autosomal recessive 53 (NEDHSCA). Also called: GLYCOSYLPHOSPHATIDYLINOSITOL BIOSYNTHESIS DEFECT 13; Mental retardation, autosomal recessive 53; NEURODEVELOPMENTAL DISORDER WITH OR WITHOUT HYPOTONIA, SEIZURES, AND CEREBELLAR ATROPHY. Identifiers: Orphanet 488635, MedGen C4310794, MONDO:0014832, OMIM 616917.

Allele frequency attached by ClinVar (database versions not stated): ESP Exome Variant Server 0.00015; 1000 Genomes Project 30x 0.00016; 1000 Genomes Project 0.00020; TOPMed 0.00025; gnomAD exomes 0.00057 and 0.00076; ExAC 0.00079; gnomAD 0.00093 and 0.00096.
gnomAD v4.1: 971 of 1,611,902 alleles (0.06%); highest among the groups gnomAD compares: Non-Finnish European, 0.039%; 2 homozygotes.

Submissions (3):

GeneDx
Classification: Uncertain significance. Last evaluated: 2026-05-04. Review status: criteria provided, single submitter. Criteria: GeneDx Variant Classification Process June 2021. Collection method: clinical testing. Allele origin: germline.
Comment: In silico analysis supports that this missense variant has a deleterious effect on protein structure/function; Has not been previously published as pathogenic or benign to our knowledge

PreventionGenetics, part of Exact Sciences
Classification: Likely benign for PIGG-related condition. Last evaluated: 2026-04-15. Review status: criteria provided, single submitter. Criteria: ACMG Guidelines, 2015. Collection method: clinical testing. Allele origin: germline.
Comment: This variant is classified as likely benign based on ACMG/AMP sequence variant interpretation guidelines (Richards et al. 2015 PMID: 25741868, with internal and published modifications).

Labcorp Genetics (formerly Invitae), Labcorp
Classification: Likely benign for Intellectual disability, autosomal recessive 53. Last evaluated: 2025-11-25. Review status: criteria provided, single submitter. Criteria: Invitae Variant Classification Sherloc (09022015). Collection method: clinical testing. Allele origin: germline.